The following is an entry in ClinVar:

NM_001365276.2(TNXB):c.10018G>A (p.Gly3340Ser)

Gene: TNXB (tenascin XB; minus strand). Cytogenetic location: 6p21.33.
Variant type: single nucleotide variant.
Coding change: c.10018G>A on transcript NM_001365276.2 (MANE Select); coding-DNA position 10018, G replaced by A.
Protein change: p.Gly3340Ser; replaces glycine 3340 with serine.
Molecular consequence: missense variant.
Genome position (GRCh38, 1-based): chr6:32,048,390, C>T on the plus strand (G>A on the coding strand, the complement: TNXB is on the minus strand). VCF-style: chr6-32048390-C-T. GRCh37 (hg19) VCF-style: chr6-32016167-C-T.
Other names: p.Gly3338Ser; c.10012G>A, p.Gly3338Ser (NM_019105.8); short protein forms G3338S, G3340S.
Identifiers: ClinVar variation 1199051 (VCV001199051.16), dbSNP rs61737606, ClinGen allele CA3733344.

ClinVar aggregate classification (germline): Benign/Likely benign. Review status: criteria provided, multiple submitters, no conflicts (2 of 4 stars). 7 submissions from 7 submitters: Benign (3); Likely benign (4). Last evaluated 2026-01-28.

Conditions:
Ehlers-Danlos syndrome (EDS). Identifiers: Orphanet 98249, MedGen C0013720, MONDO:0020066.
Cardiovascular phenotype. Identifiers: MedGen CN230736.

Allele frequency attached by ClinVar (database versions not stated): gnomAD exomes 0.00126; ExAC 0.00151; 1000 Genomes Project 0.00260; 1000 Genomes Project 30x 0.00297; gnomAD 0.00492 and 0.00542; TOPMed 0.00572; ESP Exome Variant Server 0.00632.
gnomAD v4.1: 1,425 of 1,523,840 alleles (0.094%); highest among the groups gnomAD compares: African/African-American, 1.6%; 12 homozygotes.

Submissions (7):

Labcorp Genetics (formerly Invitae), Labcorp
Classification: Benign. Last evaluated: 2026-01-28. Review status: criteria provided, single submitter. Criteria: Invitae Variant Classification Sherloc (09022015). Collection method: clinical testing. Allele origin: germline.

Women's Health and Genetics/Laboratory Corporation of America, LabCorp
Classification: Likely benign. Last evaluated: 2026-01-22. Review status: criteria provided, single submitter. Criteria: LabCorp Variant Classification Summary - May 2015. Collection method: clinical testing. Allele origin: germline.

GeneDx
Classification: Likely benign. Last evaluated: 2025-06-03. Review status: criteria provided, single submitter. Criteria: GeneDx Variant Classification Process June 2021. Collection method: clinical testing. Allele origin: germline. Affected: yes.
Comment: See Variant Classification Assertion Criteria.

Blueprint Genetics
Classification: Likely benign. Last evaluated: 2024-11-13. Review status: criteria provided, single submitter. Criteria: ACMG Guidelines, 2015. Collection method: clinical testing. Allele origin: germline.

Mayo Clinic Laboratories, Mayo Clinic
Classification: Benign. Last evaluated: 2023-02-01. Review status: criteria provided, single submitter. Criteria: ACMG Guidelines, 2015. Collection method: clinical testing. Allele origin: germline. Observed: 10 variant alleles.
Comment: BS1, BS2

Genome Diagnostics Laboratory, The Hospital for Sick Children
Classification: Likely benign for Ehlers-Danlos syndrome. Last evaluated: 2022-02-17. Review status: criteria provided, single submitter. Criteria: ACMG Guidelines, 2015. Collection method: clinical testing. Allele origin: germline.

Ambry Genetics
Classification: Benign for Cardiovascular phenotype. Last evaluated: 2019-05-03. Review status: criteria provided, single submitter. Criteria: Ambry Variant Classification Scheme 2023. Collection method: clinical testing. Allele origin: germline.